The following is an entry in ClinVar:

NM_001164508.2(NEB):c.1674+2T>G

Gene: NEB (nebulin; minus strand). Cytogenetic location: 2q23.3.
Variant type: single nucleotide variant.
Coding change: c.1674+2T>G on transcript NM_001164508.2 (MANE Select); the canonical splice donor site of the intron after coding-DNA position 1674, T replaced by G.
Molecular consequence: splice donor variant.
Genome position (GRCh38, 1-based): chr2:151,695,576, A>C on the plus strand (T>G on the coding strand, the complement: NEB is on the minus strand). VCF-style: chr2-151695576-A-C. GRCh37 (hg19) VCF-style: chr2-152552090-A-C.
Other names: c.1674+2T>G (NM_004543.5, NM_001164507.2, NM_001271208.2).
Identifiers: ClinVar variation 2028778 (VCV002028778.4), dbSNP rs1553603437, ClinGen allele CA348824802.

ClinVar aggregate classification (germline): Pathogenic (1 of 4 stars; one submission).

Conditions:
Nemaline myopathy 2 (NEM2). Also called: Nemaline myopathy 2, autosomal recessive. Identifiers: MedGen C1850569, MONDO:0009725, OMIM 256030.

Submission:

Labcorp Genetics (formerly Invitae), Labcorp
Classification: Pathogenic for Nemaline myopathy 2. Last evaluated: 2022-09-03. Review status: criteria provided, single submitter. Criteria: Invitae Variant Classification Sherloc (09022015). Collection method: clinical testing. Allele origin: germline.
Comment: For these reasons, this variant has been classified as Pathogenic. Algorithms developed to predict the effect of sequence changes on RNA splicing suggest that this variant may disrupt the consensus splice site. Disruption of this splice site has been observed in individuals with nemaline myopathy (PMID: 25205138). This variant is not present in population databases (gnomAD no frequency). This sequence change affects a donor splice site in intron 18 of the NEB gene. It is expected to disrupt RNA splicing. Variants that disrupt the donor or acceptor splice site typically lead to a loss of protein function (PMID: 16199547), and loss-of-function variants in NEB are known to be pathogenic (PMID: 25205138).

Literature cited by the submitters: PubMed 25205138; PubMed 16199547.